The following is an entry in ClinVar:

NM_033337.3(CAV3):c.402G>A (p.Ala134=)

Genes: CAV3 (caveolin 3; plus strand), OXTR (oxytocin receptor; minus strand). Cytogenetic location: 3p25.3.
Variant type: single nucleotide variant.
Coding change: c.402G>A on transcript NM_033337.3 (MANE Select); coding-DNA position 402, G replaced by A.
Protein change: p.Ala134=; no amino-acid change (alanine 134 retained).
Molecular consequence: synonymous variant.
Genome position (GRCh38, 1-based): chr3:8,745,813, G>A. VCF-style: chr3-8745813-G-A. GRCh37 (hg19) VCF-style: chr3-8787499-G-A.
Other names: p.A134A:GCG>GCA; c.402G>A, p.Ala134= (NM_001234.5).
Identifiers: ClinVar variation 180794 (VCV000180794.13), dbSNP rs559206877, ClinGen allele CA295931.

ClinVar aggregate classification (germline): Conflicting classifications of pathogenicity. Review status: criteria provided, conflicting classifications (1 of 4 stars). 6 submissions from 6 submitters: Uncertain significance (1); Benign (1); Likely benign (3). 1 of the submissions does not count toward it. Last evaluated 2025-09-25.

Conditions:
CAV3-related disorder. Also called: CAV3-related condition.
Cardiovascular phenotype. Identifiers: MedGen CN230736.
Long QT syndrome (LQTS). Identifiers: MedGen C0023976, MeSH D008133, MONDO:0002442. Disease mechanism: loss of function. Inheritance: Various modes of inheritance.
Cardiomyopathy (CMYO). Also called: Cardiomyopathies. Identifiers: Orphanet 167848, MedGen C0878544, MONDO:0004994, HP:0001638. Inheritance: Various modes of inheritance.

Allele frequency attached by ClinVar (database versions not stated): TOPMed 0.00002.
gnomAD v4.1: 23 of 1,613,822 alleles (0.0014%); highest among the groups gnomAD compares: East Asian, 0.011%; no homozygotes.

Submissions (6):

Labcorp Genetics (formerly Invitae), Labcorp
Classification: Likely benign for Long QT syndrome. Last evaluated: 2025-09-25. Review status: criteria provided, single submitter. Criteria: Invitae Variant Classification Sherloc (09022015). Collection method: clinical testing. Allele origin: germline.

Blueprint Genetics
Classification: Likely benign. Last evaluated: 2024-07-17. Review status: criteria provided, single submitter. Criteria: ACMG Guidelines, 2015. Collection method: clinical testing. Allele origin: germline.

Ambry Genetics
Classification: Likely benign for Cardiovascular phenotype. Last evaluated: 2022-12-25. Review status: criteria provided, single submitter. Criteria: Ambry Variant Classification Scheme 2023. Collection method: clinical testing. Allele origin: germline.

CHEO Genetics Diagnostic Laboratory, Children's Hospital of Eastern Ontario
Classification: Uncertain significance for Cardiomyopathy. Last evaluated: 2017-10-13. Review status: criteria provided, single submitter. Criteria: ACMG Guidelines, 2015. Collection method: clinical testing. Allele origin: germline. Study: Canadian Open Genetics Repository.

GeneDx
Classification: Benign. Last evaluated: 2014-06-18. Review status: criteria provided, single submitter. Criteria: GeneDx Variant Classification (06012015). Collection method: clinical testing. Allele origin: germline. Affected: yes.
Comment: This variant is considered likely benign or benign based on one or more of the following criteria: it is a conservative change, it occurs at a poorly conserved position in the protein, it is predicted to be benign by multiple in silico algorithms, and/or has population frequency not consistent with disease.

PreventionGenetics, part of Exact Sciences
Classification: Likely benign for CAV3-related condition. Last evaluated: 2023-09-28. Review status: no assertion criteria provided. Collection method: clinical testing. Allele origin: germline. Not counted in ClinVar's aggregate classification.
Comment: This variant is classified as likely benign based on ACMG/AMP sequence variant interpretation guidelines (Richards et al. 2015 PMID: 25741868, with internal and published modifications).